The following is an entry in ClinVar:

ClinVar aggregate classification (germline): Uncertain significance (1 of 4 stars; one submission).

Conditions:
Alstrom syndrome (ALMS). Identifiers: Orphanet 64, MedGen C0268425, MONDO:0008763, OMIM 203800.

Submission:

Labcorp Genetics (formerly Invitae), Labcorp
Classification: Uncertain significance for Alstrom syndrome. Last evaluated: 2024-10-10. Review status: criteria provided, single submitter. Criteria: Invitae Variant Classification Sherloc (09022015). Collection method: clinical testing. Allele origin: germline.
Comment: This sequence change replaces threonine, which is neutral and polar, with isoleucine, which is neutral and non-polar, at codon 1428 of the ALMS1 protein (p.Thr1428Ile). This variant is not present in population databases (gnomAD no frequency). This variant has not been reported in the literature in individuals affected with ALMS1-related conditions. Experimental studies and prediction algorithms are not available or were not evaluated, and the functional significance of this variant is currently unknown. In summary, the available evidence is currently insufficient to determine the role of this variant in disease. Therefore, it has been classified as a Variant of Uncertain Significance.

NM_001378454.1(ALMS1):c.4280C>T (p.Thr1427Ile)

Gene: ALMS1 (ALMS1 centrosome and basal body associated protein; plus strand). Cytogenetic location: 2p13.1.
Variant type: single nucleotide variant.
Coding change: c.4280C>T on transcript NM_001378454.1 (MANE Select); coding-DNA position 4280, C replaced by T.
Protein change: p.Thr1427Ile; replaces threonine 1427 with isoleucine.
Molecular consequence: missense variant.
Genome position (GRCh38, 1-based): chr2:73,450,807, C>T. VCF-style: chr2-73450807-C-T. GRCh37 (hg19) VCF-style: chr2-73677934-C-T.
Other names: c.4283C>T, p.Thr1428Ile (NM_015120.4); short protein forms T1427I, T1428I.
Identifiers: ClinVar variation 3672456 (VCV003672456.2).
Genomic context (GRCh38, chr2:73,450,807, plus strand): 5'-ACGTTTCAGCGGTTCCTGGACCAGGTGACCGGAAGACTGGGATACCAACTTTACCCTCTA[C>T]TTTCTACTCACACACAGAGAAGCCTGGTAGTTTCTACCAACAGGTCTTGCCACATAGTCA-3'
Protein context (NP_001365383.1, residues 1417-1437): RKTGIPTLPS[Thr1427Ile]FYSHTEKPGS